The following is an entry in ClinVar:

NM_020791.4(TAOK1):c.2687C>T (p.Ser896Phe)

Gene: TAOK1 (TAO kinase 1; plus strand). Cytogenetic location: 17q11.2.
Variant type: single nucleotide variant.
Coding change: c.2687C>T on transcript NM_020791.4 (MANE Select); coding-DNA position 2687, C replaced by T.
Protein change: p.Ser896Phe; replaces serine 896 with phenylalanine.
Molecular consequence: missense variant.
Genome position (GRCh38, 1-based): chr17:29,542,703, C>T. VCF-style: chr17-29542703-C-T. GRCh37 (hg19) VCF-style: chr17-27869721-C-T.
Other names: c.2243C>T, p.Ser748Phe (NM_025142.1); short protein forms S748F, S896F.
Identifiers: ClinVar variation 4975309 (VCV004975309.1).

ClinVar aggregate classification (germline): Uncertain significance (1 of 4 stars; one submission).

Submission:

GeneDx
Classification: Uncertain significance. Last evaluated: 2026-01-21. Review status: criteria provided, single submitter. Criteria: GeneDx Variant Classification Process June 2021. Collection method: clinical testing. Allele origin: germline.
Comment: Not observed at significant frequency in large population cohorts (gnomAD); In silico analysis supports that this missense variant has a deleterious effect on protein structure/function; Has not been previously published as pathogenic or benign to our knowledge